The following is an entry in ClinVar:

ClinVar aggregate classification (germline): Uncertain significance (1 of 4 stars; one submission).

Conditions:
Cranioectodermal dysplasia 1 (CED1). Also called: LEVIN SYNDROME I. Identifiers: Orphanet 1515, MedGen C0432235, MONDO:0021093, OMIM 218330.

Allele frequency attached by ClinVar (database versions not stated): gnomAD exomes below 0.00001 and 0.00001; gnomAD 0.00001; TOPMed 0.00001.
gnomAD v4.1: 5 of 1,614,110 alleles (0.00031%); highest among the groups gnomAD compares: African/African-American, 0.0053%; no homozygotes.

Submission:

Labcorp Genetics (formerly Invitae), Labcorp
Classification: Uncertain significance for Cranioectodermal dysplasia 1. Last evaluated: 2022-07-26. Review status: criteria provided, single submitter. Criteria: Invitae Variant Classification Sherloc (09022015). Collection method: clinical testing. Allele origin: germline.
Comment: Algorithms developed to predict the effect of missense changes on protein structure and function are either unavailable or do not agree on the potential impact of this missense change (SIFT: "Deleterious"; PolyPhen-2: "Probably Damaging"; Align-GVGD: "Class C0"). In summary, the available evidence is currently insufficient to determine the role of this variant in disease. Therefore, it has been classified as a Variant of Uncertain Significance. ClinVar contains an entry for this variant (Variation ID: 1381626). This variant has not been reported in the literature in individuals affected with IFT122-related conditions. This variant is present in population databases (no rsID available, gnomAD 0.008%). This sequence change replaces tyrosine, which is neutral and polar, with cysteine, which is neutral and slightly polar, at codon 448 of the IFT122 protein (p.Tyr448Cys).

NM_052989.3(IFT122):c.1190A>G (p.Tyr397Cys)

Gene: IFT122 (intraflagellar transport 122; plus strand). Cytogenetic location: 3q21.3.
Variant type: single nucleotide variant.
Coding change: c.1190A>G on transcript NM_052989.3 (MANE Select); coding-DNA position 1190, A replaced by G.
Protein change: p.Tyr397Cys; replaces tyrosine 397 with cysteine.
Molecular consequence: missense variant.
Genome position (GRCh38, 1-based): chr3:129,478,058, A>G. VCF-style: chr3-129478058-A-G. GRCh37 (hg19) VCF-style: chr3-129196901-A-G.
Other names: c.1166A>G, p.Tyr389Cys (NM_001280541.2); c.740A>G, p.Tyr247Cys (NM_001280545.2); c.563A>G, p.Tyr188Cys (NM_001280546.2); c.1013A>G, p.Tyr338Cys (NM_018262.4); c.1343A>G, p.Tyr448Cys (NM_052985.4); c.857A>G, p.Tyr286Cys (NM_052990.3); short protein forms Y247C, Y397C, Y188C, Y338C, Y389C, Y286C, Y448C.
Identifiers: ClinVar variation 1381626 (VCV001381626.6), dbSNP rs965712410, ClinGen allele CA82614819.
Genomic context (GRCh38, chr3:129,478,058, plus strand): 5'-TATTTTTTTCTTTGACAGTTCGGATTAAATGCAAAGAGCTTGTCAAGAAGATTGCCATCT[A>G]CAGAAATCGATTGGCTATCCAACTGCCAGAGAAAATCCTCATCTATGAGTTGTATTCAGA-3'
Protein context (NP_443715.1, residues 387-407): CKELVKKIAI[Tyr397Cys]RNRLAIQLPE